The following is an entry in ClinVar:

NM_001282531.3(ADNP):c.344A>G (p.Asn115Ser)

Gene: ADNP (activity dependent neuroprotector homeobox; minus strand). Cytogenetic location: 20q13.13.
Variant type: single nucleotide variant.
Coding change: c.344A>G on transcript NM_001282531.3 (MANE Select); coding-DNA position 344, A replaced by G.
Protein change: p.Asn115Ser; replaces asparagine 115 with serine.
Molecular consequence: missense variant.
Genome position (GRCh38, 1-based): chr20:50,894,370, T>C on the plus strand (A>G on the coding strand, the complement: ADNP is on the minus strand). VCF-style: chr20-50894370-T-C. GRCh37 (hg19) VCF-style: chr20-49510907-T-C.
Other names: c.344A>G, p.Asn115Ser (NM_001282532.2, NM_001347511.2, NM_015339.5 and 1 more transcripts); short protein forms N115S.
Identifiers: ClinVar variation 589274 (VCV000589274.8), dbSNP rs140023121, ClinGen allele CA9908903.

ClinVar aggregate classification (germline): Conflicting classifications of pathogenicity. Review status: criteria provided, conflicting classifications (1 of 4 stars). 2 submissions from 2 submitters: Uncertain significance (1); Likely benign (1). Last evaluated 2024-09-05.

Conditions:
Inborn genetic diseases. Identifiers: MedGen C0950123, MeSH D030342.

Allele frequency attached by ClinVar (database versions not stated): gnomAD exomes below 0.00001; ExAC 0.00001; TOPMed 0.00001; gnomAD 0.00002; ESP Exome Variant Server 0.00008.
gnomAD v4.1: 9 of 1,614,078 alleles (0.00056%); highest among the groups gnomAD compares: African/African-American, 0.0067%; no homozygotes.

Submissions (2):

Labcorp Genetics (formerly Invitae), Labcorp
Classification: Uncertain significance. Last evaluated: 2024-09-05. Review status: criteria provided, single submitter. Criteria: Invitae Variant Classification Sherloc (09022015). Collection method: clinical testing. Allele origin: germline.
Comment: This sequence change replaces asparagine, which is neutral and polar, with serine, which is neutral and polar, at codon 115 of the ADNP protein (p.Asn115Ser). This variant is present in population databases (rs140023121, gnomAD 0.01%). This variant has not been reported in the literature in individuals affected with ADNP-related conditions. ClinVar contains an entry for this variant (Variation ID: 589274). An algorithm developed to predict the effect of missense changes on protein structure and function (PolyPhen-2) suggests that this variant is likely to be tolerated. In summary, the available evidence is currently insufficient to determine the role of this variant in disease. Therefore, it has been classified as a Variant of Uncertain Significance.

Ambry Genetics
Classification: Likely benign for Inborn genetic diseases. Last evaluated: 2022-11-08. Review status: criteria provided, single submitter. Criteria: Ambry Variant Classification Scheme 2023. Collection method: clinical testing. Allele origin: germline.